The following is an entry in ClinVar:

NM_144997.7(FLCN):c.932C>G (p.Pro311Arg)

Gene: FLCN (folliculin; minus strand). Cytogenetic location: 17p11.2.
Variant type: single nucleotide variant.
Coding change: c.932C>G on transcript NM_144997.7 (MANE Select); coding-DNA position 932, C replaced by G.
Protein change: p.Pro311Arg; replaces proline 311 with arginine.
Molecular consequence: missense variant.
Genome position (GRCh38, 1-based): chr17:17,219,149, G>C on the plus strand (C>G on the coding strand, the complement: FLCN is on the minus strand). VCF-style: chr17-17219149-G-C. GRCh37 (hg19) VCF-style: chr17-17122463-G-C.
Other names: c.986C>G, p.Pro329Arg (NM_001353229.2); c.932C>G, p.Pro311Arg (NM_001353230.2, NM_001353231.2); short protein forms P311R, P329R.
Identifiers: ClinVar variation 959113 (VCV000959113.10), dbSNP rs916844425, ClinGen allele CA288311750.

ClinVar aggregate classification (germline): Uncertain significance. Review status: criteria provided, multiple submitters, no conflicts (2 of 4 stars). 2 submissions from 2 submitters: Uncertain significance (2). Last evaluated 2025-03-20.

Conditions:
Hereditary cancer-predisposing syndrome. Also called: Hereditary neoplastic syndrome; Tumor predisposition; Neoplastic Syndromes, Hereditary; Hereditary Cancer Syndrome. Identifiers: Orphanet 140162, MedGen C0027672, MeSH D009386, MONDO:0015356.
Birt-Hogg-Dube syndrome. Also called: Birt Hogg Dubé syndrome. Identifiers: Orphanet 122, MedGen C0346010, MONDO:0800444.

Submissions (2):

Labcorp Genetics (formerly Invitae), Labcorp
Classification: Uncertain significance for Birt-Hogg-Dube syndrome. Last evaluated: 2025-03-20. Review status: criteria provided, single submitter. Criteria: Invitae Variant Classification Sherloc (09022015). Collection method: clinical testing. Allele origin: germline.
Comment: This sequence change replaces proline, which is neutral and non-polar, with arginine, which is basic and polar, at codon 311 of the FLCN protein (p.Pro311Arg). This variant is not present in population databases (gnomAD no frequency). This variant has not been reported in the literature in individuals affected with FLCN-related conditions. ClinVar contains an entry for this variant (Variation ID: 959113). Invitae Evidence Modeling of protein sequence and biophysical properties (such as structural, functional, and spatial information, amino acid conservation, physicochemical variation, residue mobility, and thermodynamic stability) indicates that this missense variant is not expected to disrupt FLCN protein function with a negative predictive value of 80%. In summary, the available evidence is currently insufficient to determine the role of this variant in disease. Therefore, it has been classified as a Variant of Uncertain Significance.

Ambry Genetics
Classification: Uncertain significance for Hereditary cancer-predisposing syndrome. Last evaluated: 2024-12-17. Review status: criteria provided, single submitter. Criteria: Ambry Variant Classification Scheme 2023. Collection method: clinical testing. Allele origin: germline.
Comment: The p.P311R variant (also known as c.932C>G), located in coding exon 6 of the FLCN gene, results from a C to G substitution at nucleotide position 932. The proline at codon 311 is replaced by arginine, an amino acid with dissimilar properties. This amino acid position is conserved. In addition, this alteration is predicted to be tolerated by in silico analysis. Since supporting evidence is limited at this time, the clinical significance of this alteration remains unclear.